The following is an entry in ClinVar:

NM_001267550.2(TTN):c.45616+1G>C

Genes: TTN (titin; minus strand), LOC126806427 (BRD4-independent group 4 enhancer GRCh37_chr2:179485777-179486976; plus strand). Cytogenetic location: 2q31.2.
Variant type: single nucleotide variant.
Coding change: c.45616+1G>C on transcript NM_001267550.2 (MANE Select); the canonical splice donor site of the intron after coding-DNA position 45616, G replaced by C.
Molecular consequence: splice donor variant.
Genome position (GRCh38, 1-based): chr2:178,621,101, C>G on the plus strand (G>C on the coding strand, the complement: TTN is on the minus strand). VCF-style: chr2-178621101-C-G. GRCh37 (hg19) VCF-style: chr2-179485828-C-G.
Other names: c.18421+1G>C (NM_003319.4); c.18997+1G>C (NM_133437.4); c.18796+1G>C (NM_133432.3); c.37912+1G>C (NM_133378.4); c.40693+1G>C (NM_001256850.1).
Identifiers: ClinVar variation 1379377 (VCV001379377.6), dbSNP rs1395648308, ClinGen allele CA349633190.

ClinVar aggregate classification (germline): Likely pathogenic (1 of 4 stars; one submission).

Conditions:
Dilated cardiomyopathy 1G (CMD1G). Identifiers: Orphanet 154, MedGen C1858763, MONDO:0011400, OMIM 604145.
Autosomal recessive limb-girdle muscular dystrophy type 2J (LGMDR10). Also called: MUSCULAR DYSTROPHY, LIMB-GIRDLE, AUTOSOMAL RECESSIVE 10; Limb-girdle muscular dystrophy, type 2J. Identifiers: Orphanet 140922, MedGen C1837342, MONDO:0012127, OMIM 608807.

Allele frequency attached by ClinVar (database versions not stated): gnomAD 0.00001.
gnomAD v4.1: 2 of 1,611,472 alleles (0.00012%); highest among the groups gnomAD compares: Admixed American, 0.0034%; no homozygotes.

Submission:

Labcorp Genetics (formerly Invitae), Labcorp
Classification: Likely pathogenic for Dilated cardiomyopathy 1G; Autosomal recessive limb-girdle muscular dystrophy type 2J. Last evaluated: 2024-11-04. Review status: criteria provided, single submitter. Criteria: Invitae Variant Classification Sherloc (09022015). Collection method: clinical testing. Allele origin: germline.
Comment: This sequence change affects a donor splice site in intron 246 of the TTN gene. It is expected to disrupt RNA splicing and likely results in a truncated or disrupted TTN protein. This variant is present in population databases (no rsID available, gnomAD 0.003%). This variant has not been reported in the literature in individuals affected with TTN-related conditions. ClinVar contains an entry for this variant (Variation ID: 1379377). Algorithms developed to predict the effect of sequence changes on RNA splicing suggest that this variant may disrupt the consensus splice site. This variant is located in the I band of TTN (PMID: 25589632). Truncating variants in this region have been reported in individuals affected with autosomal recessive centronuclear myopathy (PMID: 23975875, internal data). Truncating variants in this region have also been identified in individuals affected with autosomal dominant dilated cardiomyopathy and/or cardio-related conditions (PMID: 27869827, 32964742, internal data). In summary, the currently available evidence indicates that the variant is pathogenic, but additional data are needed to prove that conclusively. Therefore, this variant has been classified as Likely Pathogenic.

Literature cited by the submitters: PubMed 25589632; PubMed 23975875; PubMed 27869827; PubMed 32964742.